The following is an entry in ClinVar:

NM_015375.3(DSTYK):c.1815G>A (p.Arg605=)

Gene: DSTYK (dual serine/threonine and tyrosine protein kinase; minus strand). Cytogenetic location: 1q32.1.
Variant type: single nucleotide variant.
Coding change: c.1815G>A on transcript NM_015375.3 (MANE Select); coding-DNA position 1815, G replaced by A.
Protein change: p.Arg605=; no amino-acid change (arginine 605 retained).
Molecular consequence: synonymous variant.
Genome position (GRCh38, 1-based): chr1:205,162,039, C>T on the plus strand (G>A on the coding strand, the complement: DSTYK is on the minus strand). VCF-style: chr1-205162039-C-T. GRCh37 (hg19) VCF-style: chr1-205131167-C-T.
Other names: c.1815G>A, p.Arg605= (NM_199462.3).
Identifiers: ClinVar variation 5000077 (VCV005000077.1).

ClinVar aggregate classification (germline): Likely benign (1 of 4 stars; one submission).

Conditions:
DSTYK-related disorder. Also called: DSTYK-related condition.

gnomAD v4.1: 3 of 1,613,176 alleles (0.00019%); highest among the groups gnomAD compares: Non-Finnish European, 0.00025%; no homozygotes.

Submission:

PreventionGenetics, part of Exact Sciences
Classification: Likely benign for DSTYK-related condition. Last evaluated: 2025-01-24. Review status: criteria provided, single submitter. Criteria: ACMG Guidelines, 2015. Collection method: clinical testing. Allele origin: germline.
Comment: This variant is classified as likely benign based on ACMG/AMP sequence variant interpretation guidelines (Richards et al. 2015 PMID: 25741868, with internal and published modifications).